The following is an entry in ClinVar:

NM_001330260.2(SCN8A):c.828C>G (p.Asn276Lys)

Gene: SCN8A (sodium voltage-gated channel alpha subunit 8; plus strand). Cytogenetic location: 12q13.13.
Variant type: single nucleotide variant.
Coding change: c.828C>G on transcript NM_001330260.2 (MANE Select); coding-DNA position 828, C replaced by G.
Protein change: p.Asn276Lys; replaces asparagine 276 with lysine.
Molecular consequence: missense variant.
Genome position (GRCh38, 1-based): chr12:51,699,691, C>G. VCF-style: chr12-51699691-C-G. GRCh37 (hg19) VCF-style: chr12-52093475-C-G.
Other names: c.828C>G, p.Asn276Lys (NM_001177984.3, NM_001369788.1, NM_014191.4); short protein forms N276K.
Identifiers: ClinVar variation 2112939 (VCV002112939.4), dbSNP rs2138735794, ClinGen allele CA385226611.

ClinVar aggregate classification (germline): Likely pathogenic (1 of 4 stars; one submission).

Conditions:
Early-infantile DEE. Also called: Early infantile epileptic encephalopathy; Ohtahara syndrome; Early infantile epileptic encephalopathy with suppression bursts. Identifiers: Orphanet 1934, MedGen C0393706, MONDO:0800491.

Submission:

Labcorp Genetics (formerly Invitae), Labcorp
Classification: Likely pathogenic for Early-infantile DEE. Last evaluated: 2022-03-16. Review status: criteria provided, single submitter. Criteria: Invitae Variant Classification Sherloc (09022015). Collection method: clinical testing. Allele origin: germline.
Comment: In summary, the currently available evidence indicates that the variant is pathogenic, but additional data are needed to prove that conclusively. Therefore, this variant has been classified as Likely Pathogenic. Algorithms developed to predict the effect of missense changes on protein structure and function are either unavailable or do not agree on the potential impact of this missense change (SIFT: "Deleterious"; PolyPhen-2: "Possibly Damaging"; Align-GVGD: "Class C0"). This missense change has been observed in individual(s) with clinical features of SCN8A-related conditions (Invitae). In at least one individual the variant was observed to be de novo. This variant is not present in population databases (gnomAD no frequency). This sequence change replaces asparagine, which is neutral and polar, with lysine, which is basic and polar, at codon 276 of the SCN8A protein (p.Asn276Lys).